The following is an entry in ClinVar:

ClinVar aggregate classification (germline): Uncertain significance (1 of 4 stars; one submission).

Conditions:
Arrhythmogenic right ventricular dysplasia 5. Also called: Arrhythmogenic Right Ventricular Dysplasia/Cardiomyopathy 5; ARRHYTHMOGENIC RIGHT VENTRICULAR DYSPLASIA, FAMILIAL, 5. Identifiers: MedGen C1858379, MONDO:0011459, OMIM 604400.

Submission:

Labcorp Genetics (formerly Invitae), Labcorp
Classification: Uncertain significance for Arrhythmogenic right ventricular dysplasia 5. Last evaluated: 2021-02-02. Review status: criteria provided, single submitter. Criteria: Invitae Variant Classification Sherloc (09022015). Collection method: clinical testing. Allele origin: germline.
Comment: In summary, the available evidence is currently insufficient to determine the role of this variant in disease. Therefore, it has been classified as a Variant of Uncertain Significance. Experimental studies and prediction algorithms are not available or were not evaluated, and the functional significance of this variant is currently unknown. This variant has not been reported in the literature in individuals with TMEM43-related conditions. A gross deletion of the genomic region encompassing the full coding sequence of the TMEM43 gene has been identified. The current clinical and genetic evidence is not sufficient to establish whether loss-of-function variants in TMEM43 cause disease. The boundaries of this event are unknown as they extend beyond the assayed region for this gene and therefore may encompass additional genes.

NC_000003.11:g.(?_14166684)_(14183305_?)del

Gene: TMEM43 (transmembrane protein 43; plus strand). Cytogenetic location: 3p25.1.
Variant type: Deletion.
Identifiers: ClinVar variation 1445001 (VCV001445001.4).